The following is an entry in ClinVar:

NM_001360016.2(G6PD):c.754G>A (p.Glu252Lys)

Gene: G6PD (glucose-6-phosphate dehydrogenase; minus strand). Cytogenetic location: Xq28.
Variant type: single nucleotide variant.
Coding change: c.754G>A on transcript NM_001360016.2 (MANE Select); coding-DNA position 754, G replaced by A.
Protein change: p.Glu252Lys; replaces glutamic acid 252 with lysine.
Molecular consequence: missense variant.
Genome position (GRCh38, 1-based): chrX:154,534,051, C>T on the plus strand (G>A on the coding strand, the complement: G6PD is on the minus strand). VCF-style: chrX-154534051-C-T. GRCh37 (hg19) VCF-style: chrX-153762266-C-T.
Other names: c.844G>A, p.Glu282Lys (NM_000402.4); c.754G>A, p.Glu252Lys (NM_001042351.3); short protein forms E252K, E282K.
Identifiers: ClinVar variation 993661 (VCV000993661.14), dbSNP rs782216807, ClinGen allele CA10566172.

ClinVar aggregate classification (germline): Uncertain significance. Review status: criteria provided, multiple submitters, no conflicts (2 of 4 stars). 3 submissions from 3 submitters: Uncertain significance (3). Last evaluated 2024-09-27.

Conditions:
Anemia, nonspherocytic hemolytic, due to G6PD deficiency (CNSHA1). Also called: Hemolytic anemia due to G6PD deficiency; Class I glucose-6-phosphate dehydrogenase deficiency; Favism, susceptibility to; ANEMIA, CONGENITAL, NONSPHEROCYTIC HEMOLYTIC, 1. Identifiers: Orphanet 466026, MedGen C2720289, MONDO:0010480, OMIM 300908.

Allele frequency attached by ClinVar (database versions not stated): gnomAD 0.00002; gnomAD exomes 0.00009 and 0.00002; TOPMed 0.00005; ExAC 0.00008.
gnomAD v4.1: 22 of 1,210,076 alleles (0.0018%); highest among the groups gnomAD compares: Admixed American, 0.048%; no homozygotes.

Submissions (3):

Labcorp Genetics (formerly Invitae), Labcorp
Classification: Uncertain significance for Anemia, nonspherocytic hemolytic, due to G6PD deficiency. Last evaluated: 2024-09-27. Review status: criteria provided, single submitter. Criteria: Invitae Variant Classification Sherloc (09022015). Collection method: clinical testing. Allele origin: germline.
Comment: This sequence change replaces glutamic acid, which is acidic and polar, with lysine, which is basic and polar, at codon 252 of the G6PD protein (p.Glu252Lys). This variant is present in population databases (rs782216807, gnomAD 0.07%), and has an allele count higher than expected for a pathogenic variant. This variant has not been reported in the literature in individuals affected with G6PD-related conditions. ClinVar contains an entry for this variant (Variation ID: 993661). Invitae Evidence Modeling of protein sequence and biophysical properties (such as structural, functional, and spatial information, amino acid conservation, physicochemical variation, residue mobility, and thermodynamic stability) has been performed for this missense variant. However, the output from this modeling did not meet the statistical confidence thresholds required to predict the impact of this variant on G6PD protein function. In summary, the available evidence is currently insufficient to determine the role of this variant in disease. Therefore, it has been classified as a Variant of Uncertain Significance.

Revvity Omics, Revvity
Classification: Uncertain significance for Anemia, nonspherocytic hemolytic, due to G6PD deficiency. Last evaluated: 2024-08-09. Review status: criteria provided, single submitter. Criteria: ACMG Guidelines, 2015. Collection method: clinical testing. Allele origin: germline.

ARUP Laboratories, Molecular Genetics and Genomics, ARUP Laboratories
Classification: Uncertain significance. Last evaluated: 2024-07-17. Review status: criteria provided, single submitter. Criteria: ARUP Molecular Germline Variant Investigation Process 2024. Collection method: clinical testing. Allele origin: germline.
Comment: The G6PD c.754G>A; p.Glu252Lys variant (rs782216807), to our knowledge, is not reported in the medical literature but is reported in ClinVar (Variation ID: 993661). This variant is found in the Admixed American population with an allele frequency of 0.07% (19/28045 alleles, including 4 hemizygotes) in the Genome Aggregation Database (v2.1.1). Computational analyses are uncertain whether this variant is neutral or deleterious (REVEL: 0.565). Due to limited information, the clinical significance of this variant is uncertain at this time.